The following is an entry in ClinVar:

NM_002427.4(MMP13):c.742G>A (p.Gly248Ser)

Gene: MMP13 (matrix metallopeptidase 13; minus strand). Cytogenetic location: 11q22.2.
Variant type: single nucleotide variant.
Coding change: c.742G>A on transcript NM_002427.4 (MANE Select); coding-DNA position 742, G replaced by A.
Protein change: p.Gly248Ser; replaces glycine 248 with serine.
Molecular consequence: missense variant.
Genome position (GRCh38, 1-based): chr11:102,952,069, C>T on the plus strand (G>A on the coding strand, the complement: MMP13 is on the minus strand). VCF-style: chr11-102952069-C-T. GRCh37 (hg19) VCF-style: chr11-102822798-C-T.
Other names: short protein forms G248S.
Identifiers: ClinVar variation 2721380 (VCV002721380.3), dbSNP rs782514579, ClinGen allele CA6251909.

ClinVar aggregate classification (germline): Uncertain significance (1 of 4 stars; one submission).

Allele frequency attached by ClinVar (database versions not stated): ExAC 0.00002; gnomAD exomes 0.00002; TOPMed 0.00002.
gnomAD v4.1: 31 of 1,613,122 alleles (0.0019%); highest among the groups gnomAD compares: South Asian, 0.019%; no homozygotes.

Submission:

Labcorp Genetics (formerly Invitae), Labcorp
Classification: Uncertain significance. Last evaluated: 2024-06-09. Review status: criteria provided, single submitter. Criteria: Invitae Variant Classification Sherloc (09022015). Collection method: clinical testing. Allele origin: germline.
Comment: This sequence change replaces glycine, which is neutral and non-polar, with serine, which is neutral and polar, at codon 248 of the MMP13 protein (p.Gly248Ser). This variant is present in population databases (rs782514579, gnomAD 0.03%). This variant has not been reported in the literature in individuals affected with MMP13-related conditions. Algorithms developed to predict the effect of missense changes on protein structure and function output the following: SIFT: "Not Available"; PolyPhen-2: "Possibly Damaging"; Align-GVGD: "Not Available". The serine amino acid residue is found in multiple mammalian species, which suggests that this missense change does not adversely affect protein function. In summary, the available evidence is currently insufficient to determine the role of this variant in disease. Therefore, it has been classified as a Variant of Uncertain Significance.